The following is an entry in ClinVar:

ClinVar aggregate classification (germline): Uncertain significance (1 of 4 stars; one submission).

Allele frequency attached by ClinVar (database versions not stated): TOPMed below 0.00001; gnomAD 0.00001.
gnomAD v4.1: 1 of 1,604,278 alleles (0.000062%); highest among the groups gnomAD compares: East Asian, 0.0022%; no homozygotes.

Submission:

Labcorp Genetics (formerly Invitae), Labcorp
Classification: Uncertain significance. Last evaluated: 2023-08-29. Review status: criteria provided, single submitter. Criteria: Invitae Variant Classification Sherloc (09022015). Collection method: clinical testing. Allele origin: germline.
Comment: This variant is not present in population databases (gnomAD no frequency). This sequence change replaces lysine, which is basic and polar, with arginine, which is basic and polar, at codon 644 of the DDX58 protein (p.Lys644Arg). This variant has not been reported in the literature in individuals affected with DDX58-related conditions. In summary, the available evidence is currently insufficient to determine the role of this variant in disease. Therefore, it has been classified as a Variant of Uncertain Significance. Advanced modeling of protein sequence and biophysical properties (such as structural, functional, and spatial information, amino acid conservation, physicochemical variation, residue mobility, and thermodynamic stability) performed at Invitae indicates that this missense variant is not expected to disrupt DDX58 protein function.

NM_014314.4(RIGI):c.1931A>G (p.Lys644Arg)

Gene: RIGI (RNA sensor RIG-I; minus strand). Cytogenetic location: 9p21.1.
Variant type: single nucleotide variant.
Coding change: c.1931A>G on transcript NM_014314.4 (MANE Select); coding-DNA position 1931, A replaced by G.
Protein change: p.Lys644Arg; replaces lysine 644 with arginine.
Molecular consequence: missense variant.
Genome position (GRCh38, 1-based): chr9:32,473,058, T>C on the plus strand (A>G on the coding strand, the complement: RIGI is on the minus strand). VCF-style: chr9-32473058-T-C. GRCh37 (hg19) VCF-style: chr9-32473056-T-C.
Other names: c.1925A>G, p.Lys642Arg (NM_001385907.1); c.1931A>G, p.Lys644Arg (NM_001385909.1); c.1490A>G, p.Lys497Arg (NM_001385910.1); c.1322A>G, p.Lys441Arg (NM_001385912.1); c.1916A>G, p.Lys639Arg (NM_001385913.1); c.1487A>G, p.Lys496Arg (NM_001385914.1); short protein forms K441R, K496R, K642R, K639R, K497R, K644R.
Identifiers: ClinVar variation 2880459 (VCV002880459.3), dbSNP rs1422127468, ClinGen allele CA373147920.
Genomic context (GRCh38, chr9:32,473,058, plus strand): 5'-CGTCCAGTCAATATGCCAGGTTTTAGAAAACTGAGTTTAGGATTTCCTTCAATCCAATTT[T>C]TTAAAGCCTGAAAATGAAAAGCAATTATCAATTGGACACTCCTTATAAATCATTTGTATT-3'
Protein context (NP_055129.2, residues 634-654): VKTRALVDAL[Lys644Arg]NWIEGNPKLS